The following is an entry in ClinVar:

ClinVar aggregate classification (germline): Likely benign (0 of 4 stars; one submission).

Conditions:
ITIH4-related disorder. Also called: ITIH4-related condition.

Allele frequency attached by ClinVar (database versions not stated): TOPMed 0.00009; gnomAD 0.00012 and 0.00013; gnomAD exomes 0.00012 and 0.00017; ExAC 0.00015.
gnomAD v4.1: 261 of 1,592,532 alleles (0.016%); highest among the groups gnomAD compares: Non-Finnish European, 0.021%; no homozygotes.

Submission:

PreventionGenetics, part of Exact Sciences
Classification: Likely benign for ITIH4-related condition. Last evaluated: 2020-11-06. Review status: no assertion criteria provided. Collection method: clinical testing. Allele origin: germline.
Comment: This variant is classified as likely benign based on ACMG/AMP sequence variant interpretation guidelines (Richards et al. 2015 PMID: 25741868, with internal and published modifications).

NM_002218.5(ITIH4):c.760-7G>T

Genes: ITIH4 (inter-alpha-trypsin inhibitor heavy chain 4; minus strand), ITIH4-AS1 (ITIH4 antisense RNA 1; plus strand). Cytogenetic location: 3p21.1.
Variant type: single nucleotide variant.
Coding change: c.760-7G>T on transcript NM_002218.5 (MANE Select); 7 bases into the intron before coding-DNA position 760, G replaced by T.
Molecular consequence: intron variant.
Genome position (GRCh38, 1-based): chr3:52,824,965, C>A on the plus strand (G>T on the coding strand, the complement: ITIH4 is on the minus strand). VCF-style: chr3-52824965-C-A. GRCh37 (hg19) VCF-style: chr3-52858981-C-A.
Other names: c.760-7G>T (NM_001166449.2, NM_002218.4).
Identifiers: ClinVar variation 3036187 (VCV003036187.2), dbSNP rs201567558, ClinGen allele CA2449552.